The following is an entry in ClinVar:

NM_005535.3(IL12RB1):c.1983+47G>T

Gene: IL12RB1 (interleukin 12 receptor subunit beta 1; minus strand). Cytogenetic location: 19p13.11.
Variant type: single nucleotide variant.
Coding change: c.1983+47G>T on transcript NM_005535.3 (MANE Select); 47 bases into the intron after coding-DNA position 1983, G replaced by T.
Molecular consequence: intron variant.
Genome position (GRCh38, 1-based): chr19:18,059,847, C>A on the plus strand (G>T on the coding strand, the complement: IL12RB1 is on the minus strand). VCF-style: chr19-18059847-C-A. GRCh37 (hg19) VCF-style: chr19-18170657-C-A.
Other names: c.2103+47G>T (NM_001290024.2); c.1970+60G>T (NM_001290023.2); c.1991+60G>T (NM_001440425.1); c.2004+47G>T (NM_001440424.1).
Identifiers: ClinVar variation 2688418 (VCV002688418.2), dbSNP rs12461312, ClinGen allele CA9304629.

ClinVar aggregate classification (germline): Benign (1 of 4 stars; one submission).

Allele frequency attached by ClinVar (database versions not stated): 1000 Genomes Project 30x 0.17661; 1000 Genomes Project 0.17851; TOPMed 0.25039; ESP Exome Variant Server 0.27498.
gnomAD v4.1: 364,244 of 1,050,200 alleles (35%); highest among the groups gnomAD compares: Non-Finnish European, 40%; 78,950 homozygotes.

Submission:

Unidad de Genómica Garrahan, Hospital de Pediatría Garrahan
Classification: Benign. Last evaluated: 2024-01-24. Review status: criteria provided, single submitter. Criteria: ACMG Guidelines, 2015. Collection method: clinical testing. Allele origin: germline. Affected: no. Observed: 43 variant alleles.
Comment: This variant is classified as Benign based on local population frequency. This variant was detected in 49% of patients studied by a panel of primary immunodeficiencies. Number of patients: 43. Only high quality variants are reported.